The following is an entry in ClinVar:

ClinVar aggregate classification (germline): Uncertain significance (1 of 4 stars; one submission).

Conditions:
Hereditary spastic paraplegia 43. Also called: Spastic paraplegia 43, autosomal recessive. Identifiers: Orphanet 320370, MedGen C2680446, MONDO:0014024, OMIM 615043.

Submission:

Labcorp Genetics (formerly Invitae), Labcorp
Classification: Uncertain significance for Hereditary spastic paraplegia 43. Last evaluated: 2025-11-10. Review status: criteria provided, single submitter. Criteria: Invitae Variant Classification Sherloc (09022015). Collection method: clinical testing. Allele origin: germline.
Comment: This sequence change replaces alanine, which is neutral and non-polar, with serine, which is neutral and polar, at codon 104 of the C19orf12 protein (p.Ala104Ser). This variant is not present in population databases (gnomAD no frequency). This variant has not been reported in the literature in individuals affected with C19orf12-related conditions. ClinVar contains an entry for this variant (Variation ID: 2961847). An algorithm developed to predict the effect of missense changes on protein structure and function outputs the following: PolyPhen-2: "Benign". The serine amino acid residue is found in multiple mammalian species, which suggests that this missense change does not adversely affect protein function. In summary, the available evidence is currently insufficient to determine the role of this variant in disease. Therefore, it has been classified as a Variant of Uncertain Significance.

NM_031448.6(C19orf12):c.277G>T (p.Ala93Ser)

Gene: C19orf12 (chromosome 19 open reading frame 12; minus strand). Cytogenetic location: 19q12.
Variant type: single nucleotide variant.
Coding change: c.277G>T on transcript NM_031448.6 (MANE Select); coding-DNA position 277, G replaced by T.
Protein change: p.Ala93Ser; replaces alanine 93 with serine.
Molecular consequence: missense variant.
Genome position (GRCh38, 1-based): chr19:29,702,861, C>A on the plus strand (G>T on the coding strand, the complement: C19orf12 is on the minus strand). VCF-style: chr19-29702861-C-A. GRCh37 (hg19) VCF-style: chr19-30193768-C-A.
Other names: c.277G>T, p.Ala93Ser (NM_001031726.4, NM_001256046.3, NM_001256047.2); c.85G>T, p.Ala29Ser (NM_001282929.1, NM_001282930.3, NM_001282931.3); short protein forms A29S, A93S.
Identifiers: ClinVar variation 2961847 (VCV002961847.3), dbSNP rs964208776, ClinGen allele CA405142967.